The following is an entry in ClinVar:

NM_003803.4(MYOM1):c.1205G>T (p.Arg402Leu)

Gene: MYOM1 (myomesin 1; minus strand). Cytogenetic location: 18p11.31.
Variant type: single nucleotide variant.
Coding change: c.1205G>T on transcript NM_003803.4 (MANE Select); coding-DNA position 1205, G replaced by T.
Protein change: p.Arg402Leu; replaces arginine 402 with leucine.
Molecular consequence: missense variant.
Genome position (GRCh38, 1-based): chr18:3,168,951, C>A on the plus strand (G>T on the coding strand, the complement: MYOM1 is on the minus strand). VCF-style: chr18-3168951-C-A. GRCh37 (hg19) VCF-style: chr18-3168949-C-A.
Other names: c.1205G>T, p.Arg402Leu (NM_019856.2); short protein forms R402L.
Identifiers: ClinVar variation 1748694 (VCV001748694.2), dbSNP rs755208926, ClinGen allele CA401715402.

ClinVar aggregate classification (germline): Uncertain significance (1 of 4 stars; one submission).

Submission:

Ambry Genetics
Classification: Uncertain significance. Last evaluated: 2022-03-12. Review status: criteria provided, single submitter. Criteria: Ambry Variant Classification Scheme 2023. Collection method: clinical testing. Allele origin: germline.
Comment: The p.R402L variant (also known as c.1205G>T), located in coding exon 8 of the MYOM1 gene, results from a G to T substitution at nucleotide position 1205. The arginine at codon 402 is replaced by leucine, an amino acid with dissimilar properties. This amino acid position is conserved. In addition, this alteration is predicted to be tolerated by in silico analysis. Since supporting evidence is limited at this time, the clinical significance of this alteration remains unclear.